The following is an entry in ClinVar:

NM_020921.4(NIN):c.3953_3956del (p.Asn1318fs)

Gene: NIN (ninein; minus strand). Cytogenetic location: 14q22.1.
Variant type: Deletion.
Coding change: c.3953_3956del on transcript NM_020921.4 (MANE Select); coding-DNA positions 3953 to 3956, 4 bases deleted (ATGA; older notation c.3953_3956delATGA).
Protein change: p.Asn1318fs; shifts the reading frame from asparagine 1318.
Molecular consequence: frameshift variant. On other transcripts: intron variant (1).
Genome position (GRCh38, 1-based): chr14:50,757,074-50,757,077, TCAT deleted on the plus strand (ATGA on the coding strand, the reverse complement: NIN is on the minus strand); deleting any 4 consecutive bases within chr14:50,757,074-50,757,078 gives the same sequence; the c. name uses the placement nearest the transcript's 3' end. VCF-style (leftmost placement, unchanged base first): chr14-50757073-CTCAT-C. GRCh37 (hg19) VCF-style: chr14-51223791-CTCAT-C.
Other names: c.3953_3956del, p.Asn1318fs (NM_182944.3, NM_182946.2); c.2400-2210_2400-2207del (NM_016350.5); short protein forms N1318fs.
Identifiers: ClinVar variation 3656276 (VCV003656276.2).
Genomic context (GRCh38, chr14:50,757,073, plus strand): 5'-CACGCTTTCCTGAAGCTTCTCAATCTTGCCTTGAAGTCTCAAAACCAGAACATTCAGCCC[CTCAT>C]TTTCTATTTTGACCTCATCGTAACTCTTTTCCAGGCTGAGGAATGTTTCAGTGACTTCCT-3'

ClinVar aggregate classification (germline): Uncertain significance (1 of 4 stars; one submission).

Submission:

Labcorp Genetics (formerly Invitae), Labcorp
Classification: Uncertain significance. Last evaluated: 2024-06-11. Review status: criteria provided, single submitter. Criteria: Invitae Variant Classification Sherloc (09022015). Collection method: clinical testing. Allele origin: germline.
Comment: This sequence change creates a premature translational stop signal (p.Asn1318Argfs*3) in the NIN gene. It is expected to result in an absent or disrupted protein product. However, the current clinical and genetic evidence is not sufficient to establish whether loss-of-function variants in NIN cause disease. This variant is not present in population databases (gnomAD no frequency). This variant has not been reported in the literature in individuals affected with NIN-related conditions. Experimental studies and prediction algorithms are not available or were not evaluated, and the functional significance of this variant is currently unknown. In summary, the available evidence is currently insufficient to determine the role of this variant in disease. Therefore, it has been classified as a Variant of Uncertain Significance.